The following is an entry in ClinVar:

NM_016239.4(MYO15A):c.8730C>T (p.Cys2910=)

Gene: MYO15A (myosin XVA; plus strand). Cytogenetic location: 17p11.2.
Variant type: single nucleotide variant.
Coding change: c.8730C>T on transcript NM_016239.4 (MANE Select); coding-DNA position 8730, C replaced by T.
Protein change: p.Cys2910=; no amino-acid change (cysteine 2910 retained).
Molecular consequence: synonymous variant.
Genome position (GRCh38, 1-based): chr17:18,157,172, C>T. VCF-style: chr17-18157172-C-T. GRCh37 (hg19) VCF-style: chr17-18060486-C-T.
Other names: c.8730C>T (NM_016239.3).
Identifiers: ClinVar variation 2961385 (VCV002961385.4), dbSNP rs776201118, ClinGen allele CA8425247.
Genomic context (GRCh38, chr17:18,157,172, plus strand): 5'-AAGGGGGCCTCCCTGGCAGATGCTGACCCGAGCCTGGCCCATAGGCTACAGTGCTGGCTG[C>T]GTGGTTCGCAGGAAGGTGGTGTACCTGGAGGAGCTGCGACGTAGAGGCCCCGACTTTGGT-3'
Protein context (NP_057323.3, residues 2900-2920): EPPRVGYSAG[Cys2910=]VVRRKVVYLE

ClinVar aggregate classification (germline): Likely benign. Review status: criteria provided, multiple submitters, no conflicts (2 of 4 stars). 2 submissions from 2 submitters: Likely benign (2). Last evaluated 2025-10-02.

Conditions:
MYO15A-related disorder. Also called: MYO15A-related condition.

Allele frequency attached by ClinVar (database versions not stated): gnomAD exomes 0.00001; ExAC 0.00003.
gnomAD v4.1: 10 of 1,610,472 alleles (0.00062%); highest among the groups gnomAD compares: Middle Eastern, 0.017%; no homozygotes.

Submissions (2):

PreventionGenetics, part of Exact Sciences
Classification: Likely benign for MYO15A-related condition. Last evaluated: 2025-10-02. Review status: criteria provided, single submitter. Criteria: ACMG Guidelines, 2015. Collection method: clinical testing. Allele origin: germline.
Comment: This variant is classified as likely benign based on ACMG/AMP sequence variant interpretation guidelines (Richards et al. 2015 PMID: 25741868, with internal and published modifications).

Labcorp Genetics (formerly Invitae), Labcorp
Classification: Likely benign. Last evaluated: 2022-12-16. Review status: criteria provided, single submitter. Criteria: Invitae Variant Classification Sherloc (09022015). Collection method: clinical testing. Allele origin: germline.